The following is an entry in ClinVar:

NM_017827.4(SARS2):c.1199C>A (p.Ala400Asp)

Gene: SARS2 (seryl-tRNA synthetase 2, mitochondrial; minus strand). Cytogenetic location: 19q13.2.
Variant type: single nucleotide variant.
Coding change: c.1199C>A on transcript NM_017827.4 (MANE Select); coding-DNA position 1199, C replaced by A.
Protein change: p.Ala400Asp; replaces alanine 400 with aspartic acid.
Molecular consequence: missense variant.
Genome position (GRCh38, 1-based): chr19:38,916,276, G>T on the plus strand (C>A on the coding strand, the complement: SARS2 is on the minus strand). VCF-style: chr19-38916276-G-T. GRCh37 (hg19) VCF-style: chr19-39406916-G-T.
Other names: c.1205C>A, p.Ala402Asp (NM_001145901.2); short protein forms A400D, A402D.
Identifiers: ClinVar variation 4536366 (VCV004536366.1).

ClinVar aggregate classification (germline): Uncertain significance (1 of 4 stars; one submission).

gnomAD v4.1: 1 of 1,614,132 alleles (0.000062%); highest among the groups gnomAD compares: East Asian, 0.0022%; no homozygotes.

Submission:

GeneDx
Classification: Uncertain significance. Last evaluated: 2025-06-02. Review status: criteria provided, single submitter. Criteria: GeneDx Variant Classification Process June 2021. Collection method: clinical testing. Allele origin: germline. Affected: yes.
Comment: Not observed at significant frequency in large population cohorts (gnomAD); In silico analysis supports that this missense variant has a deleterious effect on protein structure/function; Has not been previously published as pathogenic or benign to our knowledge